The following is an entry in ClinVar:

ClinVar aggregate classification (germline): Uncertain significance. Review status: criteria provided, multiple submitters, no conflicts (2 of 4 stars). 2 submissions from 2 submitters: Uncertain significance (2). Last evaluated 2024-10-21.

Conditions:
Severe combined immunodeficiency due to IKK2 deficiency. Also called: Immunodeficiency 15; IMMUNODEFICIENCY 15B. Identifiers: Orphanet 397787, MedGen C4747743, MONDO:0014267, OMIM 615592.

Allele frequency attached by ClinVar (database versions not stated): ExAC 0.00004; gnomAD 0.00005; gnomAD exomes 0.00007 and 0.00008; TOPMed 0.00009.
gnomAD v4.1: 109 of 1,613,300 alleles (0.0068%); highest among the groups gnomAD compares: Non-Finnish European, 0.0085%; no homozygotes.

Submissions (2):

Labcorp Genetics (formerly Invitae), Labcorp
Classification: Uncertain significance for Severe combined immunodeficiency due to IKK2 deficiency. Last evaluated: 2024-10-21. Review status: criteria provided, single submitter. Criteria: Invitae Variant Classification Sherloc (09022015). Collection method: clinical testing. Allele origin: germline.
Comment: This sequence change replaces arginine, which is basic and polar, with tryptophan, which is neutral and slightly polar, at codon 446 of the IKBKB protein (p.Arg446Trp). This variant is present in population databases (rs202136671, gnomAD 0.01%). This missense change has been observed in individual(s) with common variable immunodeficiency (CVID) (PMID: 26122175). ClinVar contains an entry for this variant (Variation ID: 577092). Invitae Evidence Modeling of protein sequence and biophysical properties (such as structural, functional, and spatial information, amino acid conservation, physicochemical variation, residue mobility, and thermodynamic stability) indicates that this missense variant is not expected to disrupt IKBKB protein function with a negative predictive value of 95%. In summary, the available evidence is currently insufficient to determine the role of this variant in disease. Therefore, it has been classified as a Variant of Uncertain Significance.

Blueprint Genetics
Classification: Uncertain significance. Last evaluated: 2024-09-02. Review status: criteria provided, single submitter. Criteria: ACMG Guidelines, 2015. Collection method: clinical testing. Allele origin: germline.

Literature cited by the submitters: PubMed 26122175 (cited by Labcorp Genetics (formerly Invitae), Labcorp).

NM_001556.3(IKBKB):c.1336C>T (p.Arg446Trp)

Gene: IKBKB (inhibitor of nuclear factor kappa B kinase subunit beta; plus strand). Cytogenetic location: 8p11.21.
Variant type: single nucleotide variant.
Coding change: c.1336C>T on transcript NM_001556.3 (MANE Select); coding-DNA position 1336, C replaced by T.
Protein change: p.Arg446Trp; replaces arginine 446 with tryptophan.
Molecular consequence: missense variant. On other transcripts: non-coding transcript variant (3).
Genome position (GRCh38, 1-based): chr8:42,318,647, C>T. VCF-style: chr8-42318647-C-T. GRCh37 (hg19) VCF-style: chr8-42176165-C-T.
Other names: c.1144C>T, p.Arg382Trp (NM_001190720.3); c.1159C>T, p.Arg387Trp (NM_001242778.2); short protein forms R446W, R387W, R382W.
Identifiers: ClinVar variation 577092 (VCV000577092.7), dbSNP rs202136671, ClinGen allele CA4731963.
Genomic context (GRCh38, chr8:42,318,647, plus strand): 5'-CTGAGGAAGGTGTGGGGCCAGGTCTGGCACAGCATCCAGACCCTGAAGGAAGATTGCAAC[C>T]GGCTGCAGCAGGGACAGCGAGCCGCCATGTAGCGTGCCAGGCTTTTTTTTTAAACTTAAT-3'
Protein context (NP_001547.1, residues 436-456): SIQTLKEDCN[Arg446Trp]LQQGQRAAMM